The following is an entry in ClinVar:

NM_000277.3(PAH):c.781del (p.Arg261fs)

Gene: PAH (phenylalanine hydroxylase; minus strand). Cytogenetic location: 12q23.2.
Variant type: Deletion.
Coding change: c.781del on transcript NM_000277.3 (MANE Select); coding-DNA position 781, one base deleted (C; older notation c.781delC).
Protein change: p.Arg261fs; shifts the reading frame from arginine 261.
Molecular consequence: frameshift variant.
Genome position (GRCh38, 1-based): chr12:102,852,876, G deleted on the plus strand (C on the coding strand, the reverse complement: PAH is on the minus strand); the first of 2 consecutive G bases (chr12:102,852,876-102,852,877); deleting either gives the same sequence. VCF-style (leftmost placement, unchanged base first): chr12-102852875-CG-C. GRCh37 (hg19) VCF-style: chr12-103246653-CG-C.
Other names: c.781del, p.Arg261fs (NM_001354304.2); short protein forms R261fs.
Identifiers: ClinVar variation 3893222 (VCV003893222.1).
Genomic context (GRCh38, chr12:102,852,875, plus strand): 5'-GGTTCGGGGGTATACATGGGCTTGGATCCATGTCTGATGTACTGTGTGCAGTGGAAGACT[CG>C]GAAGGCCAGGCCACCCAAGAAATCCCGAGAGGAAAGCAGGCCAGCCACAGGTCGGAGGCG-3'

ClinVar aggregate classification (germline): Likely pathogenic (0 of 4 stars; one submission).

Conditions:
Phenylketonuria (PKU). Also called: FOLLING DISEASE; OLIGOPHRENIA PHENYLPYRUVICA; Phenylketonurias; Phenylketonuria (PKU). Identifiers: Orphanet 716, MedGen C0031485, MONDO:0009861, OMIM 261600. Disease mechanism: loss of function.

Submission:

Medical Laboratory Sciences, Applied Medical Sciences, Jordan University of Science and Technology
Classification: Likely pathogenic for Phenylketonuria. Last evaluated: 2024-09-01. Review status: no assertion criteria provided. Collection method: research. Allele origin: germline. Inheritance: Autosomal recessive inheritance. Affected: yes. Observed: 1 homozygote.
Comment: This sequence change creates a premature translational stop signal (p.Arg261Glufs*80) in the PAH gene. It is expected to result in an absent or disrupted protein product. Loss-of-function variants in PAH are known to be pathogenic (PMID: 1301187, 9634518). This variant is not present in population databases. It was found in two affected children from one family (unpublished). The pre-treatment Phe was 1008 mg/dl. PAH-specific ACMG/AMP criteria were applied: PVS1_strong, PM2, PP4.

Literature cited by the submitters: NCBI Bookshelf NBK535378.